The following is an entry in ClinVar:

ClinVar aggregate classification (germline): Benign. Review status: criteria provided, multiple submitters, no conflicts (2 of 4 stars). 9 submissions from 9 submitters: Benign (6). 3 of the submissions do not count toward it. Last evaluated 2026-02-02.

Conditions:
Disorders of Intracellular Cobalamin Metabolism. Identifiers: MedGen CN043592.
Methylcobalamin deficiency type cblE (HMAE). Also called: VITAMIN B12-RESPONSIVE HOMOCYSTINURIA, cblE TYPE; HOMOCYSTINURIA-MEGALOBLASTIC ANEMIA, cblE COMPLEMENTATION TYPE; HOMOCYSTINURIA-MEGALOBLASTIC ANEMIA, cblE TYPE. Identifiers: Orphanet 2169, Orphanet 622, MedGen C1856057, MONDO:0009354, OMIM 236270.

Allele frequency attached by ClinVar (database versions not stated): 1000 Genomes Project 0.03974; 1000 Genomes Project 30x 0.04403; TOPMed 0.04806; ESP Exome Variant Server 0.04975.
gnomAD v4.1: 12,386 of 1,613,870 alleles (0.77%); highest among the groups gnomAD compares: African/African-American, 15%; 863 homozygotes.

Submissions (9):

Labcorp Genetics (formerly Invitae), Labcorp
Classification: Benign for Methylcobalamin deficiency type cblE. Last evaluated: 2026-02-02. Review status: criteria provided, single submitter. Criteria: Invitae Variant Classification Sherloc (09022015). Collection method: clinical testing. Allele origin: germline.

ARUP Laboratories, Molecular Genetics and Genomics, ARUP Laboratories
Classification: Benign. Last evaluated: 2023-09-21. Review status: criteria provided, single submitter. Criteria: ARUP Molecular Germline Variant Investigation Process 2024. Collection method: clinical testing. Allele origin: germline.

Illumina Laboratory Services, Illumina
Classification: Benign for Disorders of Intracellular Cobalamin Metabolism. Last evaluated: 2018-03-06. Review status: criteria provided, single submitter. Criteria: ICSL Variant Classification Criteria 13 December 2019. Collection method: clinical testing. Allele origin: germline.
Comment: This variant was observed in the ICSL laboratory as part of a predisposition screen in an ostensibly healthy population. It had not been previously curated by ICSL or reported in the Human Gene Mutation Database (HGMD: prior to June 1st, 2018), and was therefore a candidate for classification through an automated scoring system. Utilizing variant allele frequency, disease prevalence and penetrance estimates, and inheritance mode, an automated score was calculated to assess if this variant is too frequent to cause the disease. Based on the score and internal cut-off values, a variant classified as benign is not then subjected to further curation. The score for this variant resulted in a classification of benign for this disease.

Center for Pediatric Genomic Medicine, Children's Mercy Hospital and Clinics
Classification: Benign. Last evaluated: 2016-12-30. Review status: criteria provided, single submitter. Criteria: ACMG Guidelines, 2015. Collection method: clinical testing. Allele origin: germline.

GeneDx
Classification: Benign. Last evaluated: 2016-02-09. Review status: criteria provided, single submitter. Criteria: GeneDx Variant Classification (06012015). Collection method: clinical testing. Allele origin: germline. Affected: yes.
Comment: This variant is considered likely benign or benign based on one or more of the following criteria: it is a conservative change, it occurs at a poorly conserved position in the protein, it is predicted to be benign by multiple in silico algorithms, and/or has population frequency not consistent with disease.

Breakthrough Genomics
Classification: Benign. Review status: criteria provided, single submitter. Criteria: ACMG Guidelines, 2015. Collection method: not provided. Allele origin: germline. Inheritance: Autosomal recessive inheritance. Affected: yes.

Natera, Inc.
Classification: Benign for CblE complementation type homocystinuria-megaloblastic anemia due to defect in cobalamin metabolism. Last evaluated: 2020-09-16. Review status: no assertion criteria provided. Collection method: clinical testing. Allele origin: germline. Not counted in ClinVar's aggregate classification.

Clinical Genetics, Academic Medical Center
Classification: Benign. Review status: no assertion criteria provided. Collection method: clinical testing. Allele origin: germline. Affected: yes. Study: VKGL Data-share Consensus. Not counted in ClinVar's aggregate classification.

Genome Diagnostics Laboratory, University Medical Center Utrecht
Classification: Benign. Review status: no assertion criteria provided. Collection method: clinical testing. Allele origin: germline. Affected: yes. Study: VKGL Data-share Consensus. Not counted in ClinVar's aggregate classification.

NM_002454.3(MTRR):c.997C>G (p.Leu333Val)

Gene: MTRR (5-methyltetrahydrofolate-homocysteine methyltransferase reductase; plus strand). Cytogenetic location: 5p15.31.
Variant type: single nucleotide variant.
Coding change: c.997C>G on transcript NM_002454.3 (MANE Select); coding-DNA position 997, C replaced by G.
Protein change: p.Leu333Val; replaces leucine 333 with valine.
Molecular consequence: missense variant. On other transcripts: non-coding transcript variant (14).
Genome position (GRCh38, 1-based): chr5:7,885,794, C>G. VCF-style: chr5-7885794-C-G. GRCh37 (hg19) VCF-style: chr5-7885907-C-G.
Other names: c.997C>G, p.Leu333Val (NM_001364440.2, NM_001364441.2, NM_001364442.2 and 1 more transcripts); short protein forms L333V.
Identifiers: ClinVar variation 354359 (VCV000354359.27), dbSNP rs10064631, ClinGen allele CA3195781.